The following is an entry in ClinVar:

ClinVar aggregate classification (germline): Likely pathogenic (1 of 4 stars; one submission).

Conditions:
Dilated cardiomyopathy 1G (CMD1G). Identifiers: Orphanet 154, MedGen C1858763, MONDO:0011400, OMIM 604145.
Autosomal recessive limb-girdle muscular dystrophy type 2J (LGMDR10). Also called: Limb-girdle muscular dystrophy, type 2J; MUSCULAR DYSTROPHY, LIMB-GIRDLE, AUTOSOMAL RECESSIVE 10. Identifiers: Orphanet 140922, MedGen C1837342, MONDO:0012127, OMIM 608807.

Submission:

Labcorp Genetics (formerly Invitae), Labcorp
Classification: Likely pathogenic for Dilated cardiomyopathy 1G; Autosomal recessive limb-girdle muscular dystrophy type 2J. Last evaluated: 2024-02-29. Review status: criteria provided, single submitter. Criteria: Invitae Variant Classification Sherloc (09022015). Collection method: clinical testing. Allele origin: germline.
Comment: This sequence change creates a premature translational stop signal (p.Glu31734Lysfs*23) in the TTN gene. While this is not anticipated to result in nonsense mediated decay, it is expected to create a truncated TTN protein. This variant is not present in population databases (gnomAD no frequency). This variant has not been reported in the literature in individuals affected with TTN-related conditions. ClinVar contains an entry for this variant (Variation ID: 2059854). This variant is located in the A band of TTN (PMID: 25589632). Truncating variants in this region are significantly overrepresented in patients affected with dilated cardiomyopathy (PMID: 25589632). Truncating variants in this region have also been reported in individuals affected with autosomal recessive centronuclear myopathy (PMID: 23975875). In summary, the currently available evidence indicates that the variant is pathogenic, but additional data are needed to prove that conclusively. Therefore, this variant has been classified as Likely Pathogenic.

Literature cited by the submitters: PubMed 25589632; PubMed 23975875.

NM_001267550.2(TTN):c.95200del (p.Glu31734fs)

Genes: TTN-AS1 (TTN antisense RNA 1; plus strand), TTN (titin; minus strand). Cytogenetic location: 2q31.2.
Variant type: Deletion.
Coding change: c.95200del on transcript NM_001267550.2 (MANE Select); coding-DNA position 95200, one base deleted (G; older notation c.95200delG).
Protein change: p.Glu31734fs; shifts the reading frame from glutamic acid 31734.
Molecular consequence: frameshift variant.
Genome position (GRCh38, 1-based): chr2:178,546,036, C deleted on the plus strand (G on the coding strand, the reverse complement: TTN is on the minus strand); the first of 2 consecutive C bases (chr2:178,546,036-178,546,037); deleting either gives the same sequence. VCF-style (leftmost placement, unchanged base first): chr2-178546035-TC-T. GRCh37 (hg19) VCF-style: chr2-179410762-TC-T.
Other names: c.90277del, p.Glu30093fs (NM_001256850.1); c.68005del, p.Glu22669fs (NM_003319.4); c.87496del, p.Glu29166fs (NM_133378.4); c.68380del, p.Glu22794fs (NM_133432.3); c.68581del, p.Glu22861fs (NM_133437.4); short protein forms E29166fs, E22794fs, E22861fs, E22669fs, E30093fs, E31734fs.
Identifiers: ClinVar variation 2059854 (VCV002059854.4), dbSNP rs2469032266, ClinGen allele CA2580064761.